The following is an entry in ClinVar:

NM_004006.3(DMD):c.614A>G (p.Tyr205Cys)

Gene: DMD (dystrophin; minus strand). Cytogenetic location: Xp21.1.
Variant type: single nucleotide variant.
Coding change: c.614A>G on transcript NM_004006.3 (MANE Select); coding-DNA position 614, A replaced by G.
Protein change: p.Tyr205Cys; replaces tyrosine 205 with cysteine.
Molecular consequence: missense variant.
Genome position (GRCh38, 1-based): chrX:32,809,528, T>C on the plus strand (A>G on the coding strand, the complement: DMD is on the minus strand). VCF-style: chrX-32809528-T-C. GRCh37 (hg19) VCF-style: chrX-32827645-T-C.
Other names: c.602A>G, p.Tyr201Cys (NM_004009.3); c.245A>G, p.Tyr82Cys (NM_004010.3); c.590A>G, p.Tyr197Cys (NM_000109.4); short protein forms Y201C, Y197C, Y205C, Y82C.
Identifiers: ClinVar variation 1751866 (VCV001751866.2), dbSNP rs2524187096, ClinGen allele CA412673827.

ClinVar aggregate classification (germline): Uncertain significance (1 of 4 stars; one submission).

Conditions:
Cardiovascular phenotype. Identifiers: MedGen CN230736.

Submission:

Ambry Genetics
Classification: Uncertain significance for Cardiovascular phenotype. Last evaluated: 2020-03-27. Review status: criteria provided, single submitter. Criteria: Ambry Variant Classification Scheme 2023. Collection method: clinical testing. Allele origin: germline.
Comment: The p.Y205C variant (also known as c.614A>G), located in coding exon 7 of the DMD gene, results from an A to G substitution at nucleotide position 614. The tyrosine at codon 205 is replaced by cysteine, an amino acid with highly dissimilar properties. This amino acid position is poorly conserved in available vertebrate species. In addition, this alteration is predicted to be tolerated by in silico analysis. Since supporting evidence is limited at this time, the clinical significance of this alteration remains unclear.